The following is an entry in ClinVar:

ClinVar aggregate classification (germline): Uncertain significance. Review status: criteria provided, multiple submitters, no conflicts (2 of 4 stars). 2 submissions from 2 submitters: Uncertain significance (2). Last evaluated 2024-10-20.

Conditions:
Intellectual developmental disorder, autosomal recessive 45. Also called: Intellectual disability, autosomal recessive 45. Identifiers: Orphanet 88616, MedGen C4014864, MONDO:0014430, OMIM 615979.

Allele frequency attached by ClinVar (database versions not stated): 1000 Genomes Project 30x 0.00016; TOPMed 0.00001; 1000 Genomes Project 0.00020.
gnomAD v4.1: 23 of 1,611,876 alleles (0.0014%); highest among the groups gnomAD compares: African/African-American, 0.004%; no homozygotes.

Submissions (2):

Ambry Genetics
Classification: Uncertain significance. Last evaluated: 2024-10-20. Review status: criteria provided, single submitter. Criteria: Ambry Variant Classification Scheme 2023. Collection method: clinical testing. Allele origin: germline.

Baylor Genetics
Classification: Uncertain significance for Intellectual developmental disorder, autosomal recessive 45. Last evaluated: 2019-12-24. Review status: criteria provided, single submitter. Criteria: ACMG Guidelines, 2015. Collection method: clinical testing. Allele origin: unknown. Affected: yes.
Comment: This variant was determined to be of uncertain significance according to ACMG Guidelines, 2015 [PMID:25741868].

NM_024735.5(FBXO31):c.1348G>A (p.Val450Met)

Gene: FBXO31 (F-box protein 31; minus strand). Cytogenetic location: 16q24.2.
Variant type: single nucleotide variant.
Coding change: c.1348G>A on transcript NM_024735.5 (MANE Select); coding-DNA position 1348, G replaced by A.
Protein change: p.Val450Met; replaces valine 450 with methionine.
Molecular consequence: missense variant.
Genome position (GRCh38, 1-based): chr16:87,333,935, C>T on the plus strand (G>A on the coding strand, the complement: FBXO31 is on the minus strand). VCF-style: chr16-87333935-C-T. GRCh37 (hg19) VCF-style: chr16-87367541-C-T.
Other names: c.832G>A, p.Val278Met (NM_001282683.2); short protein forms V450M, V278M.
Identifiers: ClinVar variation 1029919 (VCV001029919.2), dbSNP rs145589459, ClinGen allele CA8218931.
Genomic context (GRCh38, chr16:87,333,935, plus strand): 5'-CGCATCCTTACCACATCCTGCAGGTTCGGGGGTAGTCCTCATTCCTGGAGCTCACGCCCA[C>T]GGGCAGCACGAACGGCTGCCCCTGCCCACACTGGGCAGGCTGCTCGGCCGCAGCTACGGC-3'
Protein context (NP_079011.3, residues 440-460): CGQGQPFVLP[Val450Met]GVSSRNEDYP